The following is an entry in ClinVar:

ClinVar aggregate classification (germline): Uncertain significance (1 of 4 stars; one submission).

Conditions:
Charcot-Marie-Tooth disease recessive intermediate C. Also called: CHARCOT-MARIE-TOOTH NEUROPATHY, RECESSIVE INTERMEDIATE C. Identifiers: Orphanet 369867, MedGen C3809309, MONDO:0014154, OMIM 615376.
Neuronopathy, distal hereditary motor, autosomal recessive 4. Also called: Autosomal recessive lower motor neuron disease with childhood onset; NEUROPATHY, DISTAL HEREDITARY MOTOR, AUTOSOMAL RECESSIVE 4. Identifiers: Orphanet 206580, MedGen C1970211, MONDO:0012608, OMIM 611067.

Allele frequency attached by ClinVar (database versions not stated): TOPMed below 0.00001; gnomAD 0.00001.
gnomAD v4.1: 14 of 1,581,352 alleles (0.00089%); highest among the groups gnomAD compares: Non-Finnish European, 0.00086%; no homozygotes.

Submission:

Labcorp Genetics (formerly Invitae), Labcorp
Classification: Uncertain significance for Neuronopathy, distal hereditary motor, autosomal recessive 4; Charcot-Marie-Tooth disease recessive intermediate C. Last evaluated: 2021-08-31. Review status: criteria provided, single submitter. Criteria: Invitae Variant Classification Sherloc (09022015). Collection method: clinical testing. Allele origin: germline.
Comment: This sequence change replaces proline with serine at codon 910 of the PLEKHG5 protein (p.Pro910Ser). The proline residue is weakly conserved and there is a moderate physicochemical difference between proline and serine. This variant is not present in population databases (ExAC no frequency). This variant has not been reported in the literature in individuals affected with PLEKHG5-related conditions. Algorithms developed to predict the effect of missense changes on protein structure and function (SIFT, PolyPhen-2, Align-GVGD) all suggest that this variant is likely to be tolerated. In summary, the available evidence is currently insufficient to determine the role of this variant in disease. Therefore, it has been classified as a Variant of Uncertain Significance.

NM_020631.6(PLEKHG5):c.2728C>T (p.Pro910Ser)

Gene: PLEKHG5 (pleckstrin homology and RhoGEF domain containing G5; minus strand). Cytogenetic location: 1p36.31.
Variant type: single nucleotide variant.
Coding change: c.2728C>T on transcript NM_020631.6 (MANE Select); coding-DNA position 2728, C replaced by T.
Protein change: p.Pro910Ser; replaces proline 910 with serine.
Molecular consequence: missense variant.
Genome position (GRCh38, 1-based): chr1:6,468,108, G>A on the plus strand (C>T on the coding strand, the complement: PLEKHG5 is on the minus strand). VCF-style: chr1-6468108-G-A. GRCh37 (hg19) VCF-style: chr1-6528168-G-A.
Other names: c.2839C>T, p.Pro947Ser (NM_001042663.3, NM_001265592.2); c.2728C>T, p.Pro910Ser (NM_001042664.2, NM_001042665.2, NM_001265594.3 and 1 more transcripts); c.2935C>T, p.Pro979Ser (NM_001265593.2); short protein forms P910S, P979S, P947S.
Identifiers: ClinVar variation 536782 (VCV000536782.6), dbSNP rs1334075760, ClinGen allele CA338115104.